The following is an entry in ClinVar:

NM_000350.3(ABCA4):c.5018+2T>C

Genes: ABCA4 (ATP binding cassette subfamily A member 4; minus strand), LOC126805793 (CDK7 strongly-dependent group 2 enhancer GRCh37_chr1:94486302-94487501; plus strand). Cytogenetic location: 1p22.1.
Variant type: single nucleotide variant.
Coding change: c.5018+2T>C on transcript NM_000350.3 (MANE Select); the canonical splice donor site of the intron after coding-DNA position 5018, T replaced by C.
Molecular consequence: splice donor variant.
Genome position (GRCh38, 1-based): chr1:94,021,238, A>G on the plus strand (T>C on the coding strand, the complement: ABCA4 is on the minus strand). VCF-style: chr1-94021238-A-G. GRCh37 (hg19) VCF-style: chr1-94486794-A-G.
Identifiers: ClinVar variation 99338 (VCV000099338.58), dbSNP rs61750562, ClinGen allele CA227264.
Genomic context (GRCh38, chr1:94,021,238, plus strand): 5'-GGATGTTCAAAGAGTGGAGAAGGTGACAAGAAAGTGGTGAGGCTGGGGCTGTGGTGGCTT[A>G]CACTGTAATCTCTGAGAGCTGCTCCTTGGTCAGGTTCAGGGGTTGGCTAATGACGGTGAT-3'

ClinVar aggregate classification (germline): Pathogenic. Review status: reviewed by expert panel (3 of 4 stars). 11 submissions from 10 submitters: Pathogenic (1). 10 of the submissions do not count toward it. Last evaluated 2025-12-05.

Conditions:
ABCA4-related retinopathy. Also called: ABCA4-related retinoapthy; ABCA4 retinoapthy. Identifiers: MedGen CN322612, MONDO:0800406.
ABCA4-related disorder. Also called: ABCA4-related condition; ABCA4-related disorders. Identifiers: MedGen CN239167.
Retinal dystrophy. Also called: Inherited retinal dystrophy. Identifiers: Orphanet 71862, MedGen C0854723, MeSH D058499, MONDO:0019118, HP:0000556.
Severe early-childhood-onset retinal dystrophy (STGD1). Also called: MACULAR DYSTROPHY WITH FLECKS, TYPE 1; STGD; Stargardt macular dystrophy; Juvenile onset macular degeneration; Stargardt disease 1. Identifiers: Orphanet 364055, Orphanet 827, MedGen C1855465, MeSH D000080362, MONDO:0009549, OMIM 248200.

Allele frequency attached by ClinVar (database versions not stated): TOPMed below 0.00001; gnomAD 0.00001.
gnomAD v4.1: 13 of 1,614,100 alleles (0.00081%); highest among the groups gnomAD compares: Non-Finnish European, 0.0011%; no homozygotes.

Submissions (11):

ClinGen ABCA4 Variant Curation Expert Panel, Clingen
Classification: Pathogenic for ABCA4-related retinopathy. Last evaluated: 2025-12-05. Review status: reviewed by expert panel. Criteria: ClinGen ABCA4 ACMG Specifications V1.0.0. Collection method: curation. Allele origin: germline. Inheritance: Autosomal recessive inheritance.
Comment: The NM_000350.3(ABCA4):c.5018+2T>C variant occurs at a canonical splice site in intron 35 and is expected to disrupt splicing and trigger an exon-skipping event introducing a premature stop codon that is predicted to lead to nonsense-mediated decay (PVS1). The total minor allele frequency in gnomAD v4.1.0 is 0.000008054 (13/1614100 alleles), which is lower than the ClinGen ABCA4 VCEP’s threshold for PM2_Supporting (<0.0001). The prevalence of the variant in affected individuals is significantly increased compared with the prevalence in controls with an OR of infinity and the CI is 146.61-infinity, which is above the ABCA4 VCEP threshold of ≥5, where the CI does not contain 1 (PS4; PMID: 35120629). In summary, this variant meets the criteria to be classified as pathogenic for ABCA4-related retinopathy based on the ACMG/AMP criteria applied, as specified by the ClinGen ABCA4 VCEP (Specification Version 1): PVS1, PS4, PM2_Supporting.

Labcorp Genetics (formerly Invitae), Labcorp
Classification: Pathogenic. Last evaluated: 2025-07-31. Review status: criteria provided, single submitter. Criteria: Invitae Variant Classification Sherloc (09022015). Collection method: clinical testing. Allele origin: germline. Not counted in ClinVar's aggregate classification.
Comment: This sequence change affects a donor splice site in intron 35 of the ABCA4 gene. It is expected to disrupt RNA splicing. Variants that disrupt the donor or acceptor splice site typically lead to a loss of protein function (PMID: 16199547), and loss-of-function variants in ABCA4 are known to be pathogenic (PMID: 10958761, 24938718, 25312043, 26780318). This variant is not present in population databases (gnomAD no frequency). Disruption of this splice site has been observed in individuals with Stargardt disease (PMID: 19074458, 28947085, 29925512). This variant is also known as IVS35+2 T>C. ClinVar contains an entry for this variant (Variation ID: 99338). Studies have shown that disruption of this splice site alters mRNA splicing and is expected to lead to the loss of protein expression (PMID: 28118664). For these reasons, this variant has been classified as Pathogenic.

Blueprint Genetics
Classification: Pathogenic for ABCA4-related disorders. Last evaluated: 2024-10-10. Review status: criteria provided, single submitter. Criteria: ACMG Guidelines, 2015. Collection method: clinical testing. Allele origin: germline. Affected: yes. Observed: 5 variant alleles. Not counted in ClinVar's aggregate classification.

GeneDx
Classification: Pathogenic. Last evaluated: 2024-06-13. Review status: criteria provided, single submitter. Criteria: GeneDx Variant Classification Process June 2021. Collection method: clinical testing. Allele origin: germline. Affected: yes. Not counted in ClinVar's aggregate classification.
Comment: Canonical splice site variant predicted to result in a null allele in a gene for which loss of function is a known mechanism of disease; Not observed at significant frequency in large population cohorts (gnomAD); This variant is associated with the following publications: (PMID: 37498587, 35120629, 35260635, 36460718, 32307445, 10958763, 10711710, 11702214, 28041643, 28947085, 37734845, 31589614, 32531858, 9054934, 25525159, 28118664, 29925512, 35119454, 19074458)

Institute of Human Genetics, Univ. Regensburg, Univ. Regensburg
Classification: Pathogenic for Retinal dystrophy. Last evaluated: 2023-01-01. Review status: criteria provided, single submitter. Criteria: ACMG Guidelines, 2015. Collection method: clinical testing. Allele origin: germline. Affected: yes. Not counted in ClinVar's aggregate classification.

Institute of Medical Molecular Genetics, University of Zurich
Classification: Likely pathogenic for Severe early-childhood-onset retinal dystrophy. Last evaluated: 2021-01-30. Review status: criteria provided, single submitter. Criteria: ACMG Guidelines, 2015. Collection method: clinical testing. Allele origin: unknown. Affected: yes. Not counted in ClinVar's aggregate classification.

Institute of Medical Genetics and Applied Genomics, University Hospital Tübingen
Classification: Pathogenic. Last evaluated: 2020-10-23. Review status: criteria provided, single submitter. Criteria: ACMG Guidelines, 2015. Collection method: clinical testing. Allele origin: germline. Inheritance: Autosomal recessive inheritance. Affected: yes. Not counted in ClinVar's aggregate classification.

CeGaT Center for Human Genetics Tuebingen
Classification: Pathogenic. Last evaluated: 2019-07-01. Review status: criteria provided, single submitter. Criteria: CeGaT Center For Human Genetics Tuebingen Variant Classification Criteria Version 2. Collection method: clinical testing. Allele origin: germline. Affected: yes. Observed: 4 variant alleles. Not counted in ClinVar's aggregate classification.

Institute of Human Genetics, Univ. Regensburg, Univ. Regensburg
Classification: Pathogenic for Severe early-childhood-onset retinal dystrophy. Last evaluated: 2016-01-01. Review status: criteria provided, single submitter. Criteria: Schulz et al. (Invest Ophthalmol Vis Sci. 2017). Collection method: clinical testing, in vitro. Allele origin: germline, unknown. Affected: yes. Observed: 3 heterozygotes. Functional consequence: sequence_variant_affecting_splicing. Not counted in ClinVar's aggregate classification.

NIHR Bioresource Rare Diseases, University of Cambridge
Classification: Likely pathogenic. Last evaluated: 2015-01-01. Review status: no assertion criteria provided. Collection method: research. Allele origin: unknown. Affected: yes. Observed: 1 variant allele. Not counted in ClinVar's aggregate classification.

Retina International
No classification provided. Review status: no classification provided. Collection method: not provided. Allele origin: not provided. Not counted in ClinVar's aggregate classification.

Literature cited by the submitters: PubMed 16199547 (cited by Labcorp Genetics (formerly Invitae), Labcorp); PubMed 10958761 (cited by Labcorp Genetics (formerly Invitae), Labcorp); PubMed 24938718 (cited by Labcorp Genetics (formerly Invitae), Labcorp); PubMed 25312043 (cited by Labcorp Genetics (formerly Invitae), Labcorp); PubMed 26780318 (cited by Labcorp Genetics (formerly Invitae), Labcorp); PubMed 19074458 (cited by 3 submitters); PubMed 28947085 (cited by Labcorp Genetics (formerly Invitae), Labcorp and Institute of Human Genetics, Univ. Regensburg, Univ. Regensburg); PubMed 29925512 (cited by Labcorp Genetics (formerly Invitae), Labcorp and Institute of Human Genetics, Univ. Regensburg, Univ. Regensburg); PubMed 28118664 (cited by Labcorp Genetics (formerly Invitae), Labcorp and Institute of Human Genetics, Univ. Regensburg, Univ. Regensburg); PubMed 25525159 (cited by Institute of Human Genetics, Univ. Regensburg, Univ. Regensburg); PubMed 31589614 (cited by Institute of Human Genetics, Univ. Regensburg, Univ. Regensburg); PubMed 32307445 (cited by Institute of Human Genetics, Univ. Regensburg, Univ. Regensburg); PubMed 32581362 (cited by Institute of Human Genetics, Univ. Regensburg, Univ. Regensburg); PubMed 32531858 (cited by Institute of Human Genetics, Univ. Regensburg, Univ. Regensburg); PubMed 35119454 (cited by Institute of Human Genetics, Univ. Regensburg, Univ. Regensburg); PubMed 35260635 (cited by Institute of Human Genetics, Univ. Regensburg, Univ. Regensburg); PubMed 36460718 (cited by Institute of Human Genetics, Univ. Regensburg, Univ. Regensburg); PubMed 28041643 (cited by NIHR Bioresource Rare Diseases, University of Cambridge).